The following is an entry in ClinVar:

NM_001040108.2(MLH3):c.3538C>T (p.Arg1180Cys)

Gene: MLH3 (mutL homolog 3; minus strand). Cytogenetic location: 14q24.3.
Variant type: single nucleotide variant.
Coding change: c.3538C>T on transcript NM_001040108.2 (MANE Select); coding-DNA position 3538, C replaced by T.
Protein change: p.Arg1180Cys; replaces arginine 1180 with cysteine.
Molecular consequence: missense variant.
Genome position (GRCh38, 1-based): chr14:75,039,943, G>A on the plus strand (C>T on the coding strand, the complement: MLH3 is on the minus strand). VCF-style: chr14-75039943-G-A. GRCh37 (hg19) VCF-style: chr14-75506646-G-A.
Other names: c.3538C>T, p.Arg1180Cys (NM_014381.3); short protein forms R1180C.
Identifiers: ClinVar variation 1732423 (VCV001732423.3), dbSNP rs761024324, ClinGen allele CA7275460.

ClinVar aggregate classification (germline): Uncertain significance (1 of 4 stars; one submission).

Allele frequency attached by ClinVar (database versions not stated): ExAC 0.00002.
gnomAD v4.1: 7 of 1,576,054 alleles (0.00044%); highest among the groups gnomAD compares: South Asian, 0.0022%; no homozygotes.

Submission:

Ambry Genetics
Classification: Uncertain significance. Last evaluated: 2024-06-29. Review status: criteria provided, single submitter. Criteria: Ambry Variant Classification Scheme 2023. Collection method: clinical testing. Allele origin: germline.
Comment: The p.R1180C variant (also known as c.3538C>T), located in coding exon 4 of the MLH3 gene, results from a C to T substitution at nucleotide position 3538. The arginine at codon 1180 is replaced by cysteine, an amino acid with highly dissimilar properties. This amino acid position is conserved. In addition, this alteration is predicted to be deleterious by in silico analysis. Since supporting evidence is limited at this time, the clinical significance of this alteration remains unclear.